The following is an entry in ClinVar:

NM_004360.5(CDH1):c.205T>G (p.Phe69Val)

Gene: CDH1 (cadherin 1; plus strand). Cytogenetic location: 16q22.1.
Variant type: single nucleotide variant.
Coding change: c.205T>G on transcript NM_004360.5 (MANE Select); coding-DNA position 205, T replaced by G.
Protein change: p.Phe69Val; replaces phenylalanine 69 with valine.
Molecular consequence: missense variant. On other transcripts: 5 prime UTR variant (2).
Genome position (GRCh38, 1-based): chr16:68,801,711, T>G. VCF-style: chr16-68801711-T-G. GRCh37 (hg19) VCF-style: chr16-68835614-T-G.
Other names: c.205T>G, p.Phe69Val (NM_001317184.2); c.-1411T>G (NM_001317185.2); c.-1615T>G (NM_001317186.2); short protein forms F69V.
Identifiers: ClinVar variation 629436 (VCV000629436.5), dbSNP rs1567501079, ClinGen allele CA396457157.

ClinVar aggregate classification (germline): Uncertain significance (1 of 4 stars; one submission).

Conditions:
Hereditary cancer-predisposing syndrome. Also called: Neoplastic Syndromes, Hereditary; Tumor predisposition; Hereditary neoplastic syndrome; Hereditary Cancer Syndrome. Identifiers: Orphanet 140162, MedGen C0027672, MeSH D009386, MONDO:0015356.

Submission:

Color Diagnostics, LLC DBA Color Health
Classification: Uncertain significance for Hereditary cancer-predisposing syndrome. Last evaluated: 2023-12-05. Review status: criteria provided, single submitter. Criteria: ACMG Guidelines, 2015. Collection method: clinical testing. Allele origin: germline.
Comment: This missense variant replaces phenylalanine with valine at codon 69 of the CDH1 protein. To our knowledge, functional studies have not been reported for this variant. This variant has not been reported in individuals affected with CDH1-related disorders in the literature. This variant has not been identified in the general population by the Genome Aggregation Database (gnomAD). The available evidence is insufficient to determine the role of this variant in disease conclusively. Therefore, this variant is classified as a Variant of Uncertain Significance.